The following is an entry in ClinVar:

ClinVar aggregate classification (germline): Likely pathogenic (1 of 4 stars; one submission).

Conditions:
Microcephaly 5, primary, autosomal recessive (MCPH5). Also called: ASPM Primary Microcephaly. Identifiers: Orphanet 2512, MedGen C1837501, MONDO:0012106, OMIM 608716.

Submission:

Division of Genetic & Genomic Pathology, Hong Kong Children's Hospital
Classification: Likely pathogenic for Microcephaly 5, primary, autosomal recessive. Last evaluated: 2024-07-15. Review status: criteria provided, single submitter. Criteria: ACMG Guidelines, 2015. Collection method: clinical testing. Allele origin: germline. Affected: yes.
Comment: The ASPM c.8060dup p.(Asn2687Lysfs*21) frameshift variant is a 1-nucleotide duplication located in exon 18 (out of 28 exons). It disrupts the original reading frame of gene and is predicted to result in loss of protein function by nonsense-mediated mRNA decay. The variant is absent from control populations (gnomAD v2.1.1 and v4.1.0) and has not been reported in Human Gene Mutation Database (HGMD v2024.1) or ClinVar. For these reasons, this variant is classified as likely pathogenic.

NM_018136.5(ASPM):c.8060dup (p.Asn2687fs)

Gene: ASPM (assembly factor for spindle microtubules; minus strand). Cytogenetic location: 1q31.3.
Variant type: Duplication.
Coding change: c.8060dup on transcript NM_018136.5 (MANE Select); coding-DNA position 8060, one base duplicated (A; older notation c.8060dupA).
Protein change: p.Asn2687fs; shifts the reading frame from asparagine 2687.
Molecular consequence: frameshift variant. On other transcripts: intron variant (1).
Genome position (GRCh38, 1-based): chr1:197,101,191, T duplicated on the plus strand (A on the coding strand, the reverse complement: ASPM is on the minus strand); the first of 4 consecutive T bases (chr1:197,101,191-197,101,194); duplicating any one gives the same sequence. VCF-style (leftmost placement, unchanged base first): chr1-197101190-A-AT. GRCh37 (hg19) VCF-style: chr1-197070320-A-AT.
Other names: c.4066-5027dup (NM_001206846.2); short protein forms N2687fs.
Identifiers: ClinVar variation 4884397 (VCV004884397.1).